The following is an entry in ClinVar:

NM_020937.4(FANCM):c.5753A>G (p.Tyr1918Cys)

Gene: FANCM (FA complementation group M; plus strand). Cytogenetic location: 14q21.2.
Variant type: single nucleotide variant.
Coding change: c.5753A>G on transcript NM_020937.4 (MANE Select); coding-DNA position 5753, A replaced by G.
Protein change: p.Tyr1918Cys; replaces tyrosine 1918 with cysteine.
Molecular consequence: missense variant.
Genome position (GRCh38, 1-based): chr14:45,198,680, A>G. VCF-style: chr14-45198680-A-G. GRCh37 (hg19) VCF-style: chr14-45667883-A-G.
Other names: c.5675A>G, p.Tyr1892Cys (NM_001308133.2); short protein forms Y1892C, Y1918C.
Identifiers: ClinVar variation 1002994 (VCV001002994.8), dbSNP rs746039296, ClinGen allele CA7170062.

ClinVar aggregate classification (germline): Uncertain significance (1 of 4 stars; one submission).

Conditions:
Fanconi anemia (FA). Also called: Fanconi's anemia. Identifiers: Orphanet 84, MedGen C0015625, MeSH D005199, MONDO:0019391.

Allele frequency attached by ClinVar (database versions not stated): ExAC 0.00001; gnomAD 0.00002; TOPMed 0.00003.
gnomAD v4.1: 12 of 1,613,526 alleles (0.00074%); highest among the groups gnomAD compares: African/African-American, 0.0093%; no homozygotes.

Submission:

Labcorp Genetics (formerly Invitae), Labcorp
Classification: Uncertain significance for Fanconi anemia. Last evaluated: 2025-07-27. Review status: criteria provided, single submitter. Criteria: Invitae Variant Classification Sherloc (09022015). Collection method: clinical testing. Allele origin: germline.
Comment: This sequence change replaces tyrosine, which is neutral and polar, with cysteine, which is neutral and slightly polar, at codon 1918 of the FANCM protein (p.Tyr1918Cys). This variant is present in population databases (rs746039296, gnomAD 0.006%). This variant has not been reported in the literature in individuals affected with FANCM-related conditions. ClinVar contains an entry for this variant (Variation ID: 1002994). An algorithm developed to predict the effect of missense changes on protein structure and function (PolyPhen-2) suggests that this variant is likely to be disruptive. In summary, the available evidence is currently insufficient to determine the role of this variant in disease. Therefore, it has been classified as a Variant of Uncertain Significance.